The following is an entry in ClinVar:

ClinVar aggregate classification (germline): Uncertain significance (1 of 4 stars; one submission).

Submission:

GeneDx
Classification: Uncertain significance. Last evaluated: 2023-05-23. Review status: criteria provided, single submitter. Criteria: GeneDx Variant Classification Process June 2021. Collection method: clinical testing. Allele origin: germline. Affected: yes.
Comment: Not observed at significant frequency in large population cohorts (gnomAD); In-frame deletion of 1 amino acid in a non-repeat region; In silico analysis supports a deleterious effect on protein structure/function; Has not been previously published as pathogenic or benign to our knowledge

NM_018489.3(ASH1L):c.3511_3513del (p.Pro1171del)

Gene: ASH1L (ASH1 like histone lysine methyltransferase; minus strand). Cytogenetic location: 1q22.
Variant type: Deletion.
Coding change: c.3511_3513del on transcript NM_018489.3 (MANE Select); coding-DNA positions 3511 to 3513, 3 bases deleted (CCT; older notation c.3511_3513delCCT).
Protein change: p.Pro1171del; deletes proline 1171.
Molecular consequence: inframe deletion.
Genome position (GRCh38, 1-based): chr1:155,479,357-155,479,359, AGG deleted on the plus strand (CCT on the coding strand, the reverse complement: ASH1L is on the minus strand); deleting any 3 consecutive bases within chr1:155,479,357-155,479,361 gives the same sequence; the c. name uses the placement nearest the transcript's 3' end. VCF-style (leftmost placement, unchanged base first): chr1-155479356-AAGG-A. GRCh37 (hg19) VCF-style: chr1-155449147-AAGG-A.
Other names: c.3511_3513del, p.Pro1171del (NM_001366177.2); short protein forms P1171del.
Identifiers: ClinVar variation 3343544 (VCV003343544.1).